The following is an entry in ClinVar:

ClinVar aggregate classification (germline): Uncertain significance (1 of 4 stars; one submission).

Submission:

Labcorp Genetics (formerly Invitae), Labcorp
Classification: Uncertain significance. Last evaluated: 2025-12-13. Review status: criteria provided, single submitter. Criteria: Invitae Variant Classification Sherloc (09022015). Collection method: clinical testing. Allele origin: germline.
Comment: This sequence change replaces glutamic acid, which is acidic and polar, with glutamine, which is neutral and polar, at codon 1815 of the ARID1B protein (p.Glu1815Gln). This variant is not present in population databases (gnomAD no frequency). This variant has not been reported in the literature in individuals affected with ARID1B-related conditions. Invitae Evidence Modeling of protein sequence and biophysical properties (such as structural, functional, and spatial information, amino acid conservation, physicochemical variation, residue mobility, and thermodynamic stability) indicates that this missense variant is not expected to disrupt ARID1B protein function with a negative predictive value of 95%. In summary, the available evidence is currently insufficient to determine the role of this variant in disease. Therefore, it has been classified as a Variant of Uncertain Significance.

NM_001374828.1(ARID1B):c.5563G>C (p.Glu1855Gln)

Gene: ARID1B (AT-rich interaction domain 1B; plus strand). Cytogenetic location: 6q25.3.
Variant type: single nucleotide variant.
Coding change: c.5563G>C on transcript NM_001374828.1 (MANE Select); coding-DNA position 5563, G replaced by C.
Protein change: p.Glu1855Gln; replaces glutamic acid 1855 with glutamine.
Molecular consequence: missense variant.
Genome position (GRCh38, 1-based): chr6:157,206,335, G>C. VCF-style: chr6-157206335-G-C. GRCh37 (hg19) VCF-style: chr6-157527469-G-C.
Other names: c.3064G>C, p.Glu1022Gln (NM_001363725.2); c.5443G>C, p.Glu1815Gln (NM_001371656.1, NM_001374820.1); c.5692G>C, p.Glu1898Gln (NM_001438482.1); c.5605G>C, p.Glu1869Gln (NM_001438483.1); c.5473G>C, p.Glu1825Gln (NM_001438485.1); c.5446G>C, p.Glu1816Gln (NM_001438486.1); c.5383G>C, p.Glu1795Gln (NM_001438487.1); c.2905G>C, p.Glu969Gln (NM_001438488.1); and 1 more; short protein forms E1022Q, E1795Q, E1802Q, E1825Q, E1869Q, E1816Q, E1855Q, E1898Q.
Identifiers: ClinVar variation 4781539 (VCV004781539.1).
Genomic context (GRCh38, chr6:157,206,335, plus strand): 5'-GATCACAACGCAGCAAGGAAGGATGACAGCCAGTCCTTGGCAGACGATTCTGGGAAAGAG[G>C]AGGAAGATGCTGAATGTATTGATGACGACGAGGAAGACGAGGAGGATGAGGAGGAAGACA-3'
Protein context (NP_001361757.1, residues 1845-1865): QSLADDSGKE[Glu1855Gln]EDAECIDDDE